The following is an entry in ClinVar:

ClinVar aggregate classification (germline): Pathogenic (1 of 4 stars; one submission).

Conditions:
Methylmalonic aciduria due to methylmalonyl-CoA mutase deficiency (MAMM). Also called: Methylmalonic aciduria, mut type. Identifiers: Orphanet 27, MedGen C1855114, MONDO:0009612, OMIM 251000.

Submission:

Myriad Genetics, Inc.
Classification: Pathogenic for Methylmalonic aciduria due to methylmalonyl-CoA mutase deficiency. Last evaluated: 2024-01-08. Review status: criteria provided, single submitter. Criteria: Myriad Autosomal Dominant, Autosomal Recessive and X-Linked Classification Criteria (2023). Collection method: clinical testing. Allele origin: unknown.
Comment: NM_000255.3(MMUT):c.631_632insTT(E211Vfs*13) is expected to be pathogenic in the context of methylmalonic acidemia, MMUT-related. This variant is predicted to lead to an abnormal or absent protein product due to the creation of a premature termination codon in MMUT, a gene where loss-of-function variants are known to be pathogenic. Please note: this variant was assessed in the context of healthy population screening.

NM_000255.4(MMUT):c.631_632insTT (p.Glu211fs)

Gene: MMUT (methylmalonyl-CoA mutase; minus strand). Cytogenetic location: 6p12.3.
Variant type: Insertion.
Coding change: c.631_632insTT on transcript NM_000255.4 (MANE Select); coding-DNA positions 631 to 632, TT inserted.
Protein change: p.Glu211fs; shifts the reading frame from glutamic acid 211.
Molecular consequence: frameshift variant.
Genome position: GRCh38 VCF-style: chr6-49457812-T-TAA. GRCh37 (hg19) VCF-style: chr6-49425525-T-TAA.
Other names: short protein forms E211fs.
Identifiers: ClinVar variation 5012635 (VCV005012635.1).